The following is an entry in ClinVar:

NM_003072.5(SMARCA4):c.2275-1G>C

Gene: SMARCA4 (SWI/SNF related BAF chromatin remodeling complex subunit ATPase 4; plus strand). Cytogenetic location: 19p13.2.
Variant type: single nucleotide variant.
Coding change: c.2275-1G>C on transcript NM_003072.5 (MANE Select); the canonical splice acceptor site of the intron before coding-DNA position 2275, G replaced by C.
Molecular consequence: splice acceptor variant.
Genome position (GRCh38, 1-based): chr19:11,012,948, G>C. VCF-style: chr19-11012948-G-C. GRCh37 (hg19) VCF-style: chr19-11123624-G-C.
Other names: c.2275-1G>C (NM_001128844.3, NM_001128849.3, NM_001128847.4 and 6 more transcripts).
Identifiers: ClinVar variation 1788841 (VCV001788841.3), dbSNP rs2146276502, ClinGen allele CA404052997.

ClinVar aggregate classification (germline): Conflicting classifications of pathogenicity. Review status: criteria provided, conflicting classifications (1 of 4 stars). 2 submissions from 2 submitters: Likely pathogenic (1); Uncertain significance (1). Last evaluated 2023-06-23.

Conditions:
Hereditary cancer-predisposing syndrome. Also called: Hereditary Cancer Syndrome; Hereditary neoplastic syndrome; Tumor predisposition; Neoplastic Syndromes, Hereditary. Identifiers: Orphanet 140162, MedGen C0027672, MeSH D009386, MONDO:0015356.
Intellectual disability, autosomal dominant 16 (CSS4). Also called: COFFIN-SIRIS SYNDROME 4. Identifiers: Orphanet 1465, MedGen C3553249, MONDO:0013821, OMIM 614609.

Submissions (2):

Illumina Laboratory Services, Illumina
Classification: Uncertain significance for Intellectual disability, autosomal dominant 16. Last evaluated: 2023-06-23. Review status: criteria provided, single submitter. Criteria: ICSLVariantClassificationCriteria RUGD 01 April 2020. Collection method: clinical testing. Allele origin: unknown.
Comment: The SMARCA4 c.2275-1G>C variant results in a nucleotide substitution at the consensus splice acceptor site which may result in splicing defects. To our knowledge, this variant has not been reported in the peer-reviewed literature. Even though consensus splice site variants typically result in a loss of function, without functional studies the impact of this variant is unknown, and it is unknown if the variant would result in a loss or gain of function. This variant is not observed in version 2.1.1 or version 3.1.2 of the Genome Aggregation Database. This variant was identified in a de novo state. Based on the available evidence, the c.2275-1G>C variant is classified as a variant of uncertain significance for Coffin-Siris syndrome.

Ambry Genetics
Classification: Likely pathogenic for Hereditary cancer-predisposing syndrome. Last evaluated: 2022-08-01. Review status: criteria provided, single submitter. Criteria: Ambry Variant Classification Scheme 2023. Collection method: clinical testing. Allele origin: germline.
Comment: The c.2275-1G>C intronic variant results from a G to C substitution one nucleotide upstream from coding exon 15 of the SMARCA4 gene. Loss-of-function variants in SMARCA4 are known to cause rhabdoid tumor predisposition syndrome including small cell carcinoma of the ovary-hypercalcemic type (SCCOHT); however, such associations with neurodevelopmental disorders are exceedingly rare (Kosho T et al. Am J Med Genet C Semin Med Genet. 2014 Sep;166C(3):262-75; Jelinic P et al. Nat Genet. 2014 May;46(5):424-6). This nucleotide position is highly conserved in available vertebrate species. In silico splice site analysis predicts that this alteration will weaken the native splice acceptor site and will result in the creation or strengthening of a novel splice acceptor site; however, direct evidence is insufficient at this time (Ambry internal data). This variant is considered to be rare based on population cohorts in the Genome Aggregation Database (gnomAD). Alterations that disrupt the canonical splice site are expected to cause aberrant splicing, resulting in an abnormal protein or a transcript that is subject to nonsense-mediated mRNA decay. Based on the supporting evidence, this alteration is likely pathogenic for rhabdoid tumor predisposition syndrome; however, the association of this alteration with Coffin-Siris syndrome is unlikely.